The following is an entry in ClinVar:

NM_014915.3(ANKRD26):c.4571G>C (p.Ser1524Thr)

Gene: ANKRD26 (ankyrin repeat domain 26; minus strand). Cytogenetic location: 10p12.1.
Variant type: single nucleotide variant.
Coding change: c.4571G>C on transcript NM_014915.3 (MANE Select); coding-DNA position 4571, G replaced by C.
Protein change: p.Ser1524Thr; replaces serine 1524 with threonine.
Molecular consequence: missense variant.
Genome position (GRCh38, 1-based): chr10:27,014,647, C>G on the plus strand (G>C on the coding strand, the complement: ANKRD26 is on the minus strand). VCF-style: chr10-27014647-C-G. GRCh37 (hg19) VCF-style: chr10-27303576-C-G.
Other names: c.4568G>C, p.Ser1523Thr (NM_001256053.2); short protein forms S1524T, S1523T.
Identifiers: ClinVar variation 3914120 (VCV003914120.2).

ClinVar aggregate classification (germline): Uncertain significance. Review status: criteria provided, multiple submitters, no conflicts (2 of 4 stars). 2 submissions from 2 submitters: Uncertain significance (2). Last evaluated 2025-12-30.

Conditions:
Inborn genetic diseases. Identifiers: MedGen C0950123, MeSH D030342.

gnomAD v4.1: 1 of 1,612,856 alleles (0.000062%); highest among the groups gnomAD compares: Non-Finnish European, 0.000085%; no homozygotes.

Submissions (2):

Labcorp Genetics (formerly Invitae), Labcorp
Classification: Uncertain significance. Last evaluated: 2025-12-30. Review status: criteria provided, single submitter. Criteria: Invitae Variant Classification Sherloc (09022015). Collection method: clinical testing. Allele origin: germline.
Comment: This sequence change replaces serine, which is neutral and polar, with threonine, which is neutral and polar, at codon 1524 of the ANKRD26 protein (p.Ser1524Thr). This variant is not present in population databases (gnomAD no frequency). This variant has not been reported in the literature in individuals affected with ANKRD26-related conditions. ClinVar contains an entry for this variant (Variation ID: 3914120). An algorithm developed to predict the effect of missense changes on protein structure and function outputs the following: PolyPhen-2: "Benign". The threonine amino acid residue is found in multiple mammalian species, which suggests that this missense change does not adversely affect protein function. In summary, the available evidence is currently insufficient to determine the role of this variant in disease. Therefore, it has been classified as a Variant of Uncertain Significance.

Ambry Genetics
Classification: Uncertain significance for Inborn genetic diseases. Last evaluated: 2025-05-03. Review status: criteria provided, single submitter. Criteria: Ambry Variant Classification Scheme 2023. Collection method: clinical testing. Allele origin: germline.
Comment: The p.S1524T variant (also known as c.4571G>C), located in coding exon 31 of the ANKRD26 gene, results from a G to C substitution at nucleotide position 4571. The serine at codon 1524 is replaced by threonine, an amino acid with similar properties. This amino acid position is conserved. In addition, this alteration is predicted to be tolerated by in silico analysis. Based on the available evidence, the clinical significance of this variant remains unclear.